The following is an entry in ClinVar:

NM_003098.3(SNTA1):c.1281C>G (p.Ile427Met)

Gene: SNTA1 (syntrophin alpha 1; minus strand). Cytogenetic location: 20q11.21.
Variant type: single nucleotide variant.
Coding change: c.1281C>G on transcript NM_003098.3 (MANE Select); coding-DNA position 1281, C replaced by G.
Protein change: p.Ile427Met; replaces isoleucine 427 with methionine.
Molecular consequence: missense variant.
Genome position (GRCh38, 1-based): chr20:33,408,845, G>C on the plus strand (C>G on the coding strand, the complement: SNTA1 is on the minus strand). VCF-style: chr20-33408845-G-C. GRCh37 (hg19) VCF-style: chr20-31996651-G-C.
Other names: short protein forms I427M.
Identifiers: ClinVar variation 2063052 (VCV002063052.4), dbSNP rs761116006, ClinGen allele CA408630369.

ClinVar aggregate classification (germline): Uncertain significance (1 of 4 stars; one submission).

Conditions:
Long QT syndrome (LQTS). Identifiers: MedGen C0023976, MeSH D008133, MONDO:0002442. Disease mechanism: loss of function. Inheritance: Various modes of inheritance.

Submission:

Labcorp Genetics (formerly Invitae), Labcorp
Classification: Uncertain significance for Long QT syndrome. Last evaluated: 2022-07-14. Review status: criteria provided, single submitter. Criteria: Invitae Variant Classification Sherloc (09022015). Collection method: clinical testing. Allele origin: germline.
Comment: This variant is not present in population databases (gnomAD no frequency). This sequence change replaces isoleucine, which is neutral and non-polar, with methionine, which is neutral and non-polar, at codon 427 of the SNTA1 protein (p.Ile427Met). This variant has not been reported in the literature in individuals affected with SNTA1-related conditions. In summary, the available evidence is currently insufficient to determine the role of this variant in disease. Therefore, it has been classified as a Variant of Uncertain Significance. Algorithms developed to predict the effect of missense changes on protein structure and function are either unavailable or do not agree on the potential impact of this missense change (SIFT: "Deleterious"; PolyPhen-2: "Probably Damaging"; Align-GVGD: "Class C0").